The following is an entry in ClinVar:

NM_001128205.2(SULF1):c.1132C>T (p.Pro378Ser)

Gene: SULF1 (sulfatase 1; plus strand). Cytogenetic location: 8q13.3.
Variant type: single nucleotide variant.
Coding change: c.1132C>T on transcript NM_001128205.2 (MANE Select); coding-DNA position 1132, C replaced by T.
Protein change: p.Pro378Ser; replaces proline 378 with serine.
Molecular consequence: missense variant. On other transcripts: 5 prime UTR variant (1), non-coding transcript variant (7), intron variant (4).
Genome position (GRCh38, 1-based): chr8:69,603,262, C>T. VCF-style: chr8-69603262-C-T. GRCh37 (hg19) VCF-style: chr8-70515497-C-T.
Other names: c.1132C>T, p.Pro378Ser (NM_001128206.2, NM_001412828.1, NM_001412829.1 and 15 more transcripts); c.532C>T, p.Pro178Ser (NM_001412845.1, NM_001412844.1); c.-644C>T (NM_001412846.1); c.946C>T, p.Pro316Ser (NM_001412841.1, NM_001412842.1); c.1062-338C>T (NM_001412839.1, NM_001412838.1, NM_001412832.1 and 1 more transcripts); short protein forms P316S, P378S, P178S.
Identifiers: ClinVar variation 2911580 (VCV002911580.3), dbSNP rs371818580, ClinGen allele CA4775792.
Genomic context (GRCh38, chr8:69,603,262, plus strand): 5'-ATCGTTCTCAACATTGACTTGGCCCCCACGATCCTGGATATTGCTGGGCTCGACACACCT[C>T]CTGATGTGGACGGCAAGTCTGTCCTCAAACTTCTGGACCCAGAAAAGCCAGGTAACAGGT-3'
Protein context (NP_001121677.1, residues 368-388): ILDIAGLDTP[Pro378Ser]DVDGKSVLKL

ClinVar aggregate classification (germline): Uncertain significance (1 of 4 stars; one submission).

Allele frequency attached by ClinVar (database versions not stated): gnomAD exomes 0.00002; TOPMed 0.00002; ESP Exome Variant Server 0.00008.
gnomAD v4.1: 32 of 1,614,038 alleles (0.002%); highest among the groups gnomAD compares: Non-Finnish European, 0.0026%; no homozygotes.

Submission:

Labcorp Genetics (formerly Invitae), Labcorp
Classification: Uncertain significance. Last evaluated: 2024-05-24. Review status: criteria provided, single submitter. Criteria: Invitae Variant Classification Sherloc (09022015). Collection method: clinical testing. Allele origin: germline.
Comment: This sequence change replaces proline, which is neutral and non-polar, with serine, which is neutral and polar, at codon 378 of the SULF1 protein (p.Pro378Ser). This variant is present in population databases (rs371818580, gnomAD 0.006%). This variant has not been reported in the literature in individuals affected with SULF1-related conditions. Algorithms developed to predict the effect of missense changes on protein structure and function output the following: SIFT: "Not Available"; PolyPhen-2: "Benign"; Align-GVGD: "Not Available". The serine amino acid residue is found in multiple mammalian species, which suggests that this missense change does not adversely affect protein function. In summary, the available evidence is currently insufficient to determine the role of this variant in disease. Therefore, it has been classified as a Variant of Uncertain Significance.